The following is an entry in ClinVar:

NM_153704.6(TMEM67):c.2089T>C (p.Phe697Leu)

Gene: TMEM67 (transmembrane protein 67; plus strand). Cytogenetic location: 8q22.1.
Variant type: single nucleotide variant.
Coding change: c.2089T>C on transcript NM_153704.6 (MANE Select); coding-DNA position 2089, T replaced by C.
Protein change: p.Phe697Leu; replaces phenylalanine 697 with leucine.
Molecular consequence: missense variant. On other transcripts: non-coding transcript variant (1).
Genome position (GRCh38, 1-based): chr8:93,797,459, T>C. VCF-style: chr8-93797459-T-C. GRCh37 (hg19) VCF-style: chr8-94809687-T-C.
Other names: c.1846T>C, p.Phe616Leu (NM_001142301.1); short protein forms F616L, F697L.
Identifiers: ClinVar variation 2044673 (VCV002044673.4), dbSNP rs373763408, ClinGen allele CA4808189.
Genomic context (GRCh38, chr8:93,797,459, plus strand): 5'-TGGAATGAAATTCAGACTGTGAGAAAAATTAATTCACTCTTTCAAGTACTTACTGTCCTC[T>C]TCTTTTTGGAGGTATAAACTGTTTGATGTGATTATATGCGACTTACATGTACCTTATAAA-3'
Protein context (NP_714915.3, residues 687-707): NSLFQVLTVL[Phe697Leu]FLEVVGFKNL

ClinVar aggregate classification (germline): Uncertain significance. Review status: criteria provided, multiple submitters, no conflicts (2 of 4 stars). 3 submissions from 3 submitters: Uncertain significance (3). Last evaluated 2025-12-08.

Conditions:
TMEM67-related disorder. Also called: TMEM67-related condition; TMEM67-related disorders. Identifiers: MedGen CN239423.
Joubert syndrome. Also called: Familial aplasia of the vermis; JOUBERT-BOLTSHAUSER SYNDROME. Identifiers: Orphanet 475, MedGen C5979921, MONDO:0018772.
Meckel-Gruber syndrome. Also called: Dysencephalia splachnocystica; DYSENCEPHALIA SPLANCHNOCYSTICA; GRUBER SYNDROME. Identifiers: Orphanet 564, MedGen C0265215, MONDO:0018921.
Inborn genetic diseases. Identifiers: MedGen C0950123, MeSH D030342.

Allele frequency attached by ClinVar (database versions not stated): gnomAD exomes below 0.00001; ExAC 0.00002; TOPMed 0.00002; gnomAD 0.00003; ESP Exome Variant Server 0.00008.
gnomAD v4.1: 6 of 1,613,564 alleles (0.00037%); highest among the groups gnomAD compares: African/African-American, 0.0067%; no homozygotes.

Submissions (3):

PreventionGenetics, part of Exact Sciences
Classification: Uncertain significance for TMEM67-related condition. Last evaluated: 2025-12-08. Review status: criteria provided, single submitter. Criteria: ACMG Guidelines, 2015. Collection method: clinical testing. Allele origin: germline.
Comment: The TMEM67 c.2089T>C variant is predicted to result in the amino acid substitution p.Phe697Leu. To our knowledge, this variant has not been reported in the literature. This variant is reported in 0.012% of alleles in individuals of African descent in gnomAD. At this time, the clinical significance of this variant is uncertain due to the absence of conclusive functional and genetic evidence.

Ambry Genetics
Classification: Uncertain significance for Inborn genetic diseases. Last evaluated: 2025-05-16. Review status: criteria provided, single submitter. Criteria: Ambry Variant Classification Scheme 2023. Collection method: clinical testing. Allele origin: germline.

Labcorp Genetics (formerly Invitae), Labcorp
Classification: Uncertain significance for Joubert syndrome; Meckel-Gruber syndrome. Last evaluated: 2022-08-09. Review status: criteria provided, single submitter. Criteria: Invitae Variant Classification Sherloc (09022015). Collection method: clinical testing. Allele origin: germline.
Comment: In summary, the available evidence is currently insufficient to determine the role of this variant in disease. Therefore, it has been classified as a Variant of Uncertain Significance. Advanced modeling of protein sequence and biophysical properties (such as structural, functional, and spatial information, amino acid conservation, physicochemical variation, residue mobility, and thermodynamic stability) performed at Invitae indicates that this missense variant is expected to disrupt TMEM67 protein function. This variant has not been reported in the literature in individuals affected with TMEM67-related conditions. This variant is present in population databases (rs373763408, gnomAD 0.01%). This sequence change replaces phenylalanine, which is neutral and non-polar, with leucine, which is neutral and non-polar, at codon 697 of the TMEM67 protein (p.Phe697Leu).